The following is an entry in ClinVar:

NM_001017995.3(SH3PXD2B):c.2128C>T (p.Gln710Ter)

Gene: SH3PXD2B (SH3 and PX domains 2B; minus strand). Cytogenetic location: 5q35.1.
Variant type: single nucleotide variant.
Coding change: c.2128C>T on transcript NM_001017995.3 (MANE Select); coding-DNA position 2128, C replaced by T.
Protein change: p.Gln710Ter; replaces glutamine 710 with a stop codon.
Molecular consequence: nonsense. On other transcripts: intron variant (1).
Genome position (GRCh38, 1-based): chr5:172,338,977, G>A on the plus strand (C>T on the coding strand, the complement: SH3PXD2B is on the minus strand). VCF-style: chr5-172338977-G-A. GRCh37 (hg19) VCF-style: chr5-171765981-G-A.
Other names: c.1188+7159C>T (NM_001308175.2); short protein forms Q710*.
Identifiers: ClinVar variation 4085613 (VCV004085613.8).

ClinVar aggregate classification (germline): Likely pathogenic (1 of 4 stars; one submission).

Submission:

CeGaT Center for Human Genetics Tuebingen
Classification: Likely pathogenic. Last evaluated: 2025-08-01. Review status: criteria provided, single submitter. Criteria: CeGaT Center For Human Genetics Tuebingen Variant Classification Criteria Version 2. Collection method: clinical testing. Allele origin: germline. Affected: yes. Observed: 1 variant allele.
Comment: SH3PXD2B: PVS1:Strong, PM2